The following is an entry in ClinVar:

ClinVar aggregate classification (germline): Pathogenic (1 of 4 stars; one submission).

Conditions:
Early-infantile DEE. Also called: Early infantile epileptic encephalopathy; Early infantile epileptic encephalopathy with suppression bursts; Ohtahara syndrome. Identifiers: Orphanet 1934, MedGen C0393706, MONDO:0800491.

Submission:

Labcorp Genetics (formerly Invitae), Labcorp
Classification: Pathogenic for Early-infantile DEE. Last evaluated: 2022-07-15. Review status: criteria provided, single submitter. Criteria: Invitae Variant Classification Sherloc (09022015). Collection method: clinical testing. Allele origin: germline.
Comment: For these reasons, this variant has been classified as Pathogenic. This variant has not been reported in the literature in individuals affected with SPTAN1-related conditions. This variant is not present in population databases (gnomAD no frequency). This sequence change creates a premature translational stop signal (p.Arg1098Valfs*17) in the SPTAN1 gene. It is expected to result in an absent or disrupted protein product. Loss-of-function variants in SPTAN1 are known to be pathogenic (PMID: 31332438, 33206935).

Literature cited by the submitters: PubMed 31332438; PubMed 33206935.

NM_001130438.3(SPTAN1):c.3292del (p.Arg1098fs)

Gene: SPTAN1 (spectrin alpha, non-erythrocytic 1; plus strand). Cytogenetic location: 9q34.11.
Variant type: Deletion.
Coding change: c.3292del on transcript NM_001130438.3 (MANE Select); coding-DNA position 3292, one base deleted (C; older notation c.3292delC).
Protein change: p.Arg1098fs; shifts the reading frame from arginine 1098.
Molecular consequence: frameshift variant.
Genome position (GRCh38, 1-based): chr9:128,594,251, C deleted; the last of 2 consecutive C bases (chr9:128,594,250-128,594,251); deleting either gives the same sequence. VCF-style (leftmost placement, unchanged base first): chr9-128594249-TC-T. GRCh37 (hg19) VCF-style: chr9-131356528-TC-T.
Other names: c.3232del, p.Arg1078fs (NM_001195532.2, NM_001363765.2, NM_001375314.2); c.3292del, p.Arg1098fs (NM_001363759.2, NM_001375310.1, NM_001375311.2 and 2 more transcripts); c.3328del, p.Arg1110fs (NM_001375312.2, NM_001375318.1); short protein forms R1078fs, R1110fs, R1098fs.
Identifiers: ClinVar variation 2106992 (VCV002106992.4), dbSNP rs2541452695, ClinGen allele CA645552744.